The following is an entry in ClinVar:

NM_005708.5(GPC6):c.1480G>A (p.Gly494Ser)

Gene: GPC6 (glypican 6; plus strand). Cytogenetic location: 13q32.1.
Variant type: single nucleotide variant.
Coding change: c.1480G>A on transcript NM_005708.5 (MANE Select); coding-DNA position 1480, G replaced by A.
Protein change: p.Gly494Ser; replaces glycine 494 with serine.
Molecular consequence: missense variant.
Genome position (GRCh38, 1-based): chr13:94,403,029, G>A. VCF-style: chr13-94403029-G-A. GRCh37 (hg19) VCF-style: chr13-95055283-G-A.
Other names: short protein forms G494S.
Identifiers: ClinVar variation 2228195 (VCV002228195.2), dbSNP rs1881212448, ClinGen allele CA388374965.

ClinVar aggregate classification (germline): Uncertain significance (1 of 4 stars; one submission).

Conditions:
Inborn genetic diseases. Identifiers: MedGen C0950123, MeSH D030342.

Allele frequency attached by ClinVar (database versions not stated): gnomAD exomes below 0.00001.
gnomAD v4.1: 1 of 1,611,570 alleles (0.000062%); highest among the groups gnomAD compares: Non-Finnish European, 0.000085%; no homozygotes.

Submission:

Ambry Genetics
Classification: Uncertain significance for Inborn genetic diseases. Last evaluated: 2020-12-11. Review status: criteria provided, single submitter. Criteria: Ambry Variant Classification Scheme 2023. Collection method: clinical testing. Allele origin: germline.
Comment: The c.1480G>A (p.G494S) alteration is located in exon 9 (coding exon 9) of the GPC6 gene. This alteration results from a G to A substitution at nucleotide position 1480, causing the glycine (G) at amino acid position 494 to be replaced by a serine (S). The p.G494S alteration is predicted to be tolerated by in silico analysis. Based on insufficient or conflicting evidence, the clinical significance of this alteration remains unclear.